The following is an entry in ClinVar:

ClinVar aggregate classification (germline): Uncertain significance (1 of 4 stars; one submission).

Submission:

GeneDx
Classification: Uncertain significance. Last evaluated: 2023-08-14. Review status: criteria provided, single submitter. Criteria: GeneDx Variant Classification Process June 2021. Collection method: clinical testing. Allele origin: germline.
Comment: Not observed at significant frequency in large population cohorts (gnomAD); In silico analysis supports that this missense variant does not alter protein structure/function; Has not been previously published as pathogenic or benign to our knowledge

NM_133433.4(NIPBL):c.398T>C (p.Met133Thr)

Gene: NIPBL (NIPBL cohesin loading factor; plus strand). Cytogenetic location: 5p13.2.
Variant type: single nucleotide variant.
Coding change: c.398T>C on transcript NM_133433.4 (MANE Select); coding-DNA position 398, T replaced by C.
Protein change: p.Met133Thr; replaces methionine 133 with threonine.
Molecular consequence: missense variant.
Genome position (GRCh38, 1-based): chr5:36,961,523, T>C. VCF-style: chr5-36961523-T-C. GRCh37 (hg19) VCF-style: chr5-36961625-T-C.
Other names: c.398T>C, p.Met133Thr (NM_015384.5); short protein forms M133T.
Identifiers: ClinVar variation 2428970 (VCV002428970.3), dbSNP rs2479027150, ClinGen allele CA359475648.